The following is an entry in ClinVar:

NM_024685.4(BBS10):c.198G>T (p.Arg66Ser)

Gene: BBS10 (Bardet-Biedl syndrome 10; minus strand). Cytogenetic location: 12q21.2.
Variant type: single nucleotide variant.
Coding change: c.198G>T on transcript NM_024685.4 (MANE Select); coding-DNA position 198, G replaced by T.
Protein change: p.Arg66Ser; replaces arginine 66 with serine.
Molecular consequence: missense variant.
Genome position (GRCh38, 1-based): chr12:76,347,787, C>A on the plus strand (G>T on the coding strand, the complement: BBS10 is on the minus strand). VCF-style: chr12-76347787-C-A. GRCh37 (hg19) VCF-style: chr12-76741567-C-A.
Other names: c.198G>T, p.Arg66Ser (LRG_1255t1); short protein forms R66S.
Identifiers: ClinVar variation 585178 (VCV000585178.3), dbSNP rs1565810301, ClinGen allele CA385816034.

ClinVar aggregate classification (germline): Uncertain significance. Review status: criteria provided, single submitter (1 of 4 stars). 2 submissions from 2 submitters: Uncertain significance (1). 1 of the submissions does not count toward it. Last evaluated 2026-01-23.

Conditions:
Bardet-Biedl syndrome 10 (BBS10). Identifiers: Orphanet 110, MedGen C1859568, MONDO:0014438, OMIM 615987.
Bardet-Biedl syndrome (BBS). Identifiers: Orphanet 110, MedGen C0752166, MONDO:0015229.

Allele frequency attached by ClinVar (database versions not stated): gnomAD exomes below 0.00001.
gnomAD v4.1: 1 of 1,600,414 alleles (0.000062%); highest among the groups gnomAD compares: Non-Finnish European, 0.000085%; no homozygotes.

Submissions (2):

Myriad Genetics, Inc.
Classification: Uncertain significance for Bardet-Biedl syndrome 10. Last evaluated: 2026-01-23. Review status: criteria provided, single submitter. Criteria: Myriad Autosomal Dominant, Autosomal Recessive and X-Linked Classification Criteria (2023). Collection method: clinical testing. Allele origin: unknown.
Comment: NM_024685.3(BBS10):c.198G>T(R66S) is a missense variant classified as a variant of uncertain significance in the context of Bardet-Biedl syndrome, BBS10-related. R66S has been observed in a case with relevant disease (PMID: 30614526). Relevant functional assessments of this variant are not available in the literature. R66S has not been observed in referenced population frequency databases. In summary, there is insufficient evidence to classify NM_024685.3(BBS10):c.198G>T(R66S) as pathogenic or benign. Please note: this variant was assessed in the context of healthy population screening.

Laboratory of Medical Genetics (UMR_S 1112), INSERM/Strasbourg University
Classification: Pathogenic for Bardet-Biedl syndrome. Last evaluated: 2018-09-15. Review status: no assertion criteria provided. Collection method: provider interpretation. Allele origin: germline. Affected: yes. Study: French fetal BBS cohort. Not counted in ClinVar's aggregate classification.

Literature cited by the submitters: PubMed 30614526 (cited by Myriad Genetics, Inc. and Laboratory of Medical Genetics (UMR_S 1112), INSERM/Strasbourg University).